The following is an entry in ClinVar:

NM_000271.5(NPC1):c.1553+1G>C

Gene: NPC1 (NPC intracellular cholesterol transporter 1; minus strand). Cytogenetic location: 18q11.2.
Variant type: single nucleotide variant.
Coding change: c.1553+1G>C on transcript NM_000271.5 (MANE Select); the canonical splice donor site of the intron after coding-DNA position 1553, G replaced by C.
Molecular consequence: splice donor variant.
Genome position (GRCh38, 1-based): chr18:23,554,757, C>G on the plus strand (G>C on the coding strand, the complement: NPC1 is on the minus strand). VCF-style: chr18-23554757-C-G. GRCh37 (hg19) VCF-style: chr18-21134721-C-G.
Identifiers: ClinVar variation 4818047 (VCV004818047.1).

ClinVar aggregate classification (germline): Pathogenic (1 of 4 stars; one submission).

Conditions:
Niemann-Pick disease, type C1. Also called: NIEMANN-PICK DISEASE, VARIANT TYPE C1; NEUROVISCERAL STORAGE DISEASE WITH VERTICAL SUPRANUCLEAR OPHTHALMOPLEGIA; NIEMANN-PICK DISEASE WITH CHOLESTEROL ESTERIFICATION BLOCK; NIEMANN-PICK DISEASE WITHOUT SPHINGOMYELINASE DEFICIENCY; NIEMANN-PICK DISEASE, CHRONIC NEURONOPATHIC FORM. Identifiers: Orphanet 646, MedGen C3179455, MONDO:0009757, OMIM 257220.

Submission:

Natera, Inc.
Classification: Pathogenic for Niemann-Pick disease type C1. Last evaluated: 2025-09-02. Review status: criteria provided, single submitter. Criteria: Natera Variant Classification Schema (03/2026). Collection method: clinical testing. Allele origin: germline.
Comment: The c.1553+1G>C variant in NPC1 is a canonical splice donor site variant predicted to affect pre-mRNA splicing, which may result in an abnormal transcript and altered protein product. This variant is expected to result in nonsense mediated decay, truncation, or a dysfunctional protein product. This variant is rare in the general population with a frequency below the threshold expected for the associated phenotype(s). This variant has been observed in one or more individuals affected with the associated recessive disease, as either homozygous or compound heterozygous with a second variant (PMID: 11349231). Given the available evidence, this variant is classified as Pathogenic.

Literature cited by the submitters: PubMed 11349231.